The following is an entry in ClinVar:

NM_001408.3(CELSR2):c.8642G>A (p.Arg2881His)

Gene: CELSR2 (cadherin EGF LAG seven-pass G-type receptor 2; plus strand). Cytogenetic location: 1p13.3.
Variant type: single nucleotide variant.
Coding change: c.8642G>A on transcript NM_001408.3 (MANE Select); coding-DNA position 8642, G replaced by A.
Protein change: p.Arg2881His; replaces arginine 2881 with histidine.
Molecular consequence: missense variant.
Genome position (GRCh38, 1-based): chr1:109,273,568, G>A. VCF-style: chr1-109273568-G-A. GRCh37 (hg19) VCF-style: chr1-109816190-G-A.
Other names: short protein forms R2881H.
Identifiers: ClinVar variation 2073492 (VCV002073492.4), dbSNP rs761753467, ClinGen allele CA988653.

ClinVar aggregate classification (germline): Uncertain significance (1 of 4 stars; one submission).

Allele frequency attached by ClinVar (database versions not stated): TOPMed 0.00002.
gnomAD v4.1: 26 of 1,564,758 alleles (0.0017%); highest among the groups gnomAD compares: Middle Eastern, 0.12%; no homozygotes.

Submission:

Labcorp Genetics (formerly Invitae), Labcorp
Classification: Uncertain significance. Last evaluated: 2022-02-18. Review status: criteria provided, single submitter. Criteria: Invitae Variant Classification Sherloc (09022015). Collection method: clinical testing. Allele origin: germline.
Comment: In summary, the available evidence is currently insufficient to determine the role of this variant in disease. Therefore, it has been classified as a Variant of Uncertain Significance. Algorithms developed to predict the effect of missense changes on protein structure and function are either unavailable or do not agree on the potential impact of this missense change (SIFT: "Deleterious"; PolyPhen-2: "Benign"; Align-GVGD: "Class C25"). This variant has not been reported in the literature in individuals affected with CELSR2-related conditions. The frequency data for this variant in the population databases is considered unreliable, as metrics indicate poor data quality at this position in the gnomAD database. This sequence change replaces arginine, which is basic and polar, with histidine, which is basic and polar, at codon 2881 of the CELSR2 protein (p.Arg2881His).